The following is an entry in ClinVar:

ClinVar aggregate classification (germline): Pathogenic. Review status: criteria provided, multiple submitters, no conflicts (2 of 4 stars). 2 submissions from 2 submitters: Pathogenic (2). Last evaluated 2023-12-30.

Conditions:
Inborn genetic diseases. Identifiers: MedGen C0950123, MeSH D030342.

Submissions (2):

Ambry Genetics
Classification: Pathogenic for Inborn genetic diseases. Last evaluated: 2023-12-30. Review status: criteria provided, single submitter. Criteria: Ambry Variant Classification Scheme 2023. Collection method: clinical testing. Allele origin: germline.
Comment: The c.829G>T (p.G277*) alteration, located in exon 5 (coding exon 4) of the EXT2 gene, consists of a G to T substitution at nucleotide position 829. This changes the amino acid from a glycine (G) to a stop codon at amino acid position 277. This alteration is expected to result in loss of function by premature protein truncation or nonsense-mediated mRNA decay. This variant was not reported in population-based cohorts in the Genome Aggregation Database (gnomAD). This variant has been reported in one individual with clinical features consistent with EXT2-related multiple exostoses (Wuyts, 2005). Based on the available evidence, this alteration is classified as pathogenic.

CeGaT Center for Human Genetics Tuebingen
Classification: Pathogenic. Last evaluated: 2023-04-01. Review status: criteria provided, single submitter. Criteria: CeGaT Center For Human Genetics Tuebingen Variant Classification Criteria Version 2. Collection method: clinical testing. Allele origin: germline. Affected: yes. Observed: 1 variant allele.
Comment: EXT2: PVS1, PM2

Literature cited by the submitters: PubMed 16283885 (cited by Ambry Genetics).

NM_207122.2(EXT2):c.829G>T (p.Gly277Ter)

Gene: EXT2 (exostosin glycosyltransferase 2; plus strand). Cytogenetic location: 11p11.2.
Variant type: single nucleotide variant.
Coding change: c.829G>T on transcript NM_207122.2 (MANE Select); coding-DNA position 829, G replaced by T.
Protein change: p.Gly277Ter; replaces glycine 277 with a stop codon.
Molecular consequence: nonsense.
Genome position (GRCh38, 1-based): chr11:44,124,874, G>T. VCF-style: chr11-44124874-G-T. GRCh37 (hg19) VCF-style: chr11-44146424-G-T.
Other names: c.928G>T, p.Gly310Ter (NM_000401.3); c.829G>T, p.Gly277Ter (NM_001178083.3, NM_001389628.1, NM_001389630.1); short protein forms G277*, G310*.
Identifiers: ClinVar variation 2570798 (VCV002570798.28), dbSNP rs2539563039, ClinGen allele CA380167182.